The following is an entry in ClinVar:

ClinVar aggregate classification (germline): Uncertain significance (1 of 4 stars; one submission).

Submission:

Labcorp Genetics (formerly Invitae), Labcorp
Classification: Uncertain significance. Last evaluated: 2024-11-19. Review status: criteria provided, single submitter. Criteria: Invitae Variant Classification Sherloc (09022015). Collection method: clinical testing. Allele origin: germline.
Comment: This sequence change replaces aspartic acid, which is acidic and polar, with glutamic acid, which is acidic and polar, at codon 862 of the INTU protein (p.Asp862Glu). This variant is not present in population databases (gnomAD no frequency). This variant has not been reported in the literature in individuals affected with INTU-related conditions. An algorithm developed to predict the effect of missense changes on protein structure and function outputs the following: PolyPhen-2: "Benign". The glutamic acid amino acid residue is found in multiple mammalian species, which suggests that this missense change does not adversely affect protein function. In summary, the available evidence is currently insufficient to determine the role of this variant in disease. Therefore, it has been classified as a Variant of Uncertain Significance.

NM_015693.4(INTU):c.2586C>G (p.Asp862Glu)

Gene: INTU (inturned planar cell polarity protein; plus strand). Cytogenetic location: 4q28.1.
Variant type: single nucleotide variant.
Coding change: c.2586C>G on transcript NM_015693.4 (MANE Select); coding-DNA position 2586, C replaced by G.
Protein change: p.Asp862Glu; replaces aspartic acid 862 with glutamic acid.
Molecular consequence: missense variant.
Genome position (GRCh38, 1-based): chr4:127,713,962, C>G. VCF-style: chr4-127713962-C-G. GRCh37 (hg19) VCF-style: chr4-128635117-C-G.
Other names: short protein forms D862E.
Identifiers: ClinVar variation 3725622 (VCV003725622.2).